The following is an entry in ClinVar:

ClinVar aggregate classification (germline): Likely pathogenic (1 of 4 stars; one submission).

Submission:

CeGaT Center for Human Genetics Tuebingen
Classification: Likely pathogenic. Last evaluated: 2024-04-01. Review status: criteria provided, single submitter. Criteria: CeGaT Center For Human Genetics Tuebingen Variant Classification Criteria Version 2. Collection method: clinical testing. Allele origin: germline. Affected: yes. Observed: 4 variant alleles.
Comment: SCN1A: PM2, PS4:Moderate, PP2, PP3

NM_001165963.4(SCN1A):c.4727T>C (p.Ile1576Thr)

Genes: SCN1A (sodium voltage-gated channel alpha subunit 1; minus strand), LOC102724058 (uncharacterized LOC102724058; plus strand). Cytogenetic location: 2q24.3.
Variant type: single nucleotide variant.
Coding change: c.4727T>C on transcript NM_001165963.4 (MANE Select); coding-DNA position 4727, T replaced by C.
Protein change: p.Ile1576Thr; replaces isoleucine 1576 with threonine.
Molecular consequence: missense variant. On other transcripts: non-coding transcript variant (1).
Genome position (GRCh38, 1-based): chr2:165,994,271, A>G on the plus strand (T>C on the coding strand, the complement: SCN1A is on the minus strand). VCF-style: chr2-165994271-A-G. GRCh37 (hg19) VCF-style: chr2-166850781-A-G.
Other names: c.4643T>C, p.Ile1548Thr (NM_001165964.3, NM_001353957.2, NM_001353958.2); c.4727T>C, p.Ile1576Thr (NM_001202435.3, NM_001353948.2); c.4694T>C, p.Ile1565Thr (NM_001353949.2, NM_001353950.2, NM_001353951.2 and 2 more transcripts); c.4691T>C, p.Ile1564Thr (NM_001353954.2, NM_001353955.2); c.4640T>C, p.Ile1547Thr (NM_001353960.2); c.2285T>C, p.Ile762Thr (NM_001353961.2); short protein forms I1547T, I1548T, I1564T, I1565T, I1576T, I762T.
Identifiers: ClinVar variation 1694977 (VCV001694977.31), dbSNP rs2105448524, ClinGen allele CA349071855.